The following is an entry in ClinVar:

NM_002693.3(POLG):c.2153C>T (p.Ala718Val)

Gene: POLG (DNA polymerase gamma, catalytic subunit; minus strand). Cytogenetic location: 15q26.1.
Variant type: single nucleotide variant.
Coding change: c.2153C>T on transcript NM_002693.3 (MANE Select); coding-DNA position 2153, C replaced by T.
Protein change: p.Ala718Val; replaces alanine 718 with valine.
Molecular consequence: missense variant.
Genome position (GRCh38, 1-based): chr15:89,323,819, G>A on the plus strand (C>T on the coding strand, the complement: POLG is on the minus strand). VCF-style: chr15-89323819-G-A. GRCh37 (hg19) VCF-style: chr15-89867050-G-A.
Other names: c.2153C>T, p.Ala718Val (NM_001126131.2); short protein forms A718V.
Identifiers: ClinVar variation 1315073 (VCV001315073.6), dbSNP rs750036881, ClinGen allele CA7724580.

ClinVar aggregate classification (germline): Uncertain significance. Review status: criteria provided, multiple submitters, no conflicts (2 of 4 stars). 2 submissions from 2 submitters: Uncertain significance (2). Last evaluated 2022-08-08.

Conditions:
Progressive sclerosing poliodystrophy (MTDPS4A). Also called: NEURONAL DEGENERATION OF CHILDHOOD WITH LIVER DISEASE, PROGRESSIVE; Alpers Syndrome; ALPERS DIFFUSE DEGENERATION OF CEREBRAL GRAY MATTER WITH HEPATIC CIRRHOSIS; Alpers-Huttenlocher Syndrome; Mitochondrial DNA depletion syndrome 4A (Alpers type); Mitochondrial DNA Depletion Syndrome 4A. Identifiers: Orphanet 726, MedGen C0205710, MONDO:0008758, OMIM 203700.

Allele frequency attached by ClinVar (database versions not stated): gnomAD exomes below 0.00001; ExAC 0.00001.
gnomAD v4.1: 1 of 1,613,218 alleles (0.000062%); highest among the groups gnomAD compares: South Asian, 0.0011%; no homozygotes.

Submissions (2):

Labcorp Genetics (formerly Invitae), Labcorp
Classification: Uncertain significance for Progressive sclerosing poliodystrophy. Last evaluated: 2022-08-08. Review status: criteria provided, single submitter. Criteria: Invitae Variant Classification Sherloc (09022015). Collection method: clinical testing. Allele origin: germline.
Comment: ClinVar contains an entry for this variant (Variation ID: 1315073). In summary, the available evidence is currently insufficient to determine the role of this variant in disease. Therefore, it has been classified as a Variant of Uncertain Significance. Algorithms developed to predict the effect of missense changes on protein structure and function output the following: SIFT: "Tolerated"; PolyPhen-2: "Benign"; Align-GVGD: "Class C0". The valine amino acid residue is found in multiple mammalian species, which suggests that this missense change does not adversely affect protein function. This variant has not been reported in the literature in individuals affected with POLG-related conditions. This variant is present in population databases (rs750036881, gnomAD 0.003%). This sequence change replaces alanine, which is neutral and non-polar, with valine, which is neutral and non-polar, at codon 718 of the POLG protein (p.Ala718Val).

GeneDx
Classification: Uncertain significance. Last evaluated: 2020-01-30. Review status: criteria provided, single submitter. Criteria: GeneDx Variant Classification Process June 2021. Collection method: clinical testing. Allele origin: germline. Affected: yes.
Comment: Has not been previously published as pathogenic or benign to our knowledge; Not observed at a significant frequency in large population cohorts (Lek et al., 2016); In silico analysis, which includes protein predictors and evolutionary conservation, supports that this variant does not alter protein structure/function